The following is an entry in ClinVar:

NM_170707.4(LMNA):c.1896dup (p.Gly633fs)

Gene: LMNA (lamin A/C; plus strand). Cytogenetic location: 1q22.
Variant type: Duplication.
Coding change: c.1896dup on transcript NM_170707.4 (MANE Select); coding-DNA position 1896, one base duplicated (T; older notation c.1896dupT).
Protein change: p.Gly633fs; shifts the reading frame from glycine 633.
Molecular consequence: frameshift variant. On other transcripts: intron variant (1).
Genome position (GRCh38, 1-based): chr1:156,138,685, T duplicated. VCF-style (leftmost placement, unchanged base first): chr1-156138684-G-GT. GRCh37 (hg19) VCF-style: chr1-156108475-G-GT.
Other names: c.1806dup, p.Gly603fs (NM_170708.4); c.1818+78dup (NM_001282626.2); c.1560dup, p.Gly521fs (NM_001257374.3, NM_001406989.1); c.1896dup, p.Gly633fs (NM_001406983.1, NM_001406985.1, NM_001406991.1); c.1653dup, p.Gly552fs (NM_001406986.1, NM_001406987.1); c.1599dup, p.Gly534fs (NM_001406988.1); c.1338dup, p.Gly447fs (NM_001406990.1, NM_001406993.1, NM_001406995.1 and 2 more transcripts); c.1272dup, p.Gly425fs (NM_001406994.1, NM_001406999.1, NM_001407000.1 and 1 more transcripts); short protein forms G521fs, G633fs, G425fs, G447fs, G552fs, G603fs, G534fs.
Identifiers: ClinVar variation 2835518 (VCV002835518.3), dbSNP rs2528030569, ClinGen allele CA2739275348.

ClinVar aggregate classification (germline): Uncertain significance (1 of 4 stars; one submission).

Conditions:
Charcot-Marie-Tooth disease type 2. Also called: Charcot-Marie-Tooth type 2. Identifiers: Orphanet 64746, MedGen C0270914, MONDO:0018993.

Submission:

Labcorp Genetics (formerly Invitae), Labcorp
Classification: Uncertain significance for Charcot-Marie-Tooth disease type 2. Last evaluated: 2023-02-08. Review status: criteria provided, single submitter. Criteria: Invitae Variant Classification Sherloc (09022015). Collection method: clinical testing. Allele origin: germline.
Comment: This variant results in an extension of the LMNA protein. Other variant(s) that result in a similarly extended protein product (p.Thr655Asnfs*49) have been determined to be pathogenic (PMID: 17711925, 25819867). This suggests that these extensions are likely to be disease-causing. In summary, the available evidence is currently insufficient to determine the role of this variant in disease. Therefore, it has been classified as a Variant of Uncertain Significance. This variant has not been reported in the literature in individuals affected with LMNA-related conditions. This sequence change results in a frameshift in the LMNA gene (p.Gly633Trpfs*71). While this is not anticipated to result in nonsense mediated decay, it is expected to disrupt the last 32 amino acid(s) of the LMNA protein and extend the protein by 38 additional amino acid residues. This variant is not present in population databases (gnomAD no frequency).

Literature cited by the submitters: PubMed 17711925; PubMed 25819867.